The following is an entry in ClinVar:

NM_001130987.2(DYSF):c.5546+1G>T

Gene: DYSF (dysferlin; plus strand). Cytogenetic location: 2p13.2.
Variant type: single nucleotide variant.
Coding change: c.5546+1G>T on transcript NM_001130987.2 (MANE Select); the canonical splice donor site of the intron after coding-DNA position 5546, G replaced by T.
Molecular consequence: splice donor variant.
Genome position (GRCh38, 1-based): chr2:71,668,843, G>T. VCF-style: chr2-71668843-G-T. GRCh37 (hg19) VCF-style: chr2-71895973-G-T.
Other names: c.5522+1G>T (NM_001130979.2); c.5543+1G>T (NM_001130981.2); c.5480+1G>T (NM_001130980.2); c.5492+1G>T (NM_001130978.2); c.5429+1G>T (NM_003494.4); c.5450+1G>T (NM_001130977.2); c.5387+1G>T (NM_001130976.2); c.5525+1G>T (NM_001130982.2); and 5 more.
Identifiers: ClinVar variation 94337 (VCV000094337.6), dbSNP rs398123793, ClinGen allele CA222185.
Genomic context (GRCh38, chr2:71,668,843, plus strand): 5'-TCCGAAGGCCCTGGGGCGGCCTGGACCTCCCTTCAACATCACCCCACGGAGAGCCAGAAG[G>T]TGACTTGCCCAGCCACAGGCTCTGAGCTGGGCTGAGGGGTGGGGGCGTTGCAGCCTGCTG-3'

ClinVar aggregate classification (germline): Pathogenic. Review status: reviewed by expert panel (3 of 4 stars). 2 submissions from 2 submitters: Pathogenic (1). 1 of the submissions does not count toward it. Last evaluated 2025-07-29.

Conditions:
Autosomal recessive limb-girdle muscular dystrophy. Identifiers: Orphanet 102015, MedGen C2931907, MONDO:0015152.

Submissions (2):

ClinGen Limb Girdle Muscular Dystrophy Variant Curation Expert Panel, ClinGen
Classification: Pathogenic for Autosomal recessive limb-girdle muscular dystrophy. Last evaluated: 2025-07-29. Review status: reviewed by expert panel. Criteria: ClinGen LGMD VCEP ACMG Specifications DYSF V1.0.0. Collection method: curation. Allele origin: germline. Inheritance: Autosomal recessive inheritance.
Comment: The NM_003494.4: c.5429+1G>T variant in DYSF, which is also known as NM_001130987.2: c.5546+1G>T, occurs within the splice donor site (+/- 1,2 dinucleotide) of exon 48. SpliceAI gives a score of 0.8 for loss of the donor site, and RNAseq analysis has demonstrated that this variant causes skipping of exon 48, resulting in a frameshift and premature truncation, p.Gly1781ValfsTer17 (PMID: 36983702; PVS1_RNA). This variant has been identified in trans with a likely pathogenic variant in a patient with a clinical diagnosis of LGMD (NM_003494.4: c.5057+5G>T, 0.25 pts, PMID: 36983702, 33610434) (PP4; PM3_Supporting not met). This variant is absent from gnomAD v4.1.0 and v2.1.1 (PM2_Supporting). Another variant affecting the same donor splice motif, NM_003494.4: c.5429G>A, which has a similar SpliceAI prediction score and has been experimentally demonstrated to also cause skipping of exon 48, has been classified as Pathogenic by the LGMD VCEP (PS1_Supporting). In summary, this variant meets the criteria to be classified as Pathogenic for autosomal recessive limb girdle muscular dystrophy based on the ACMG/AMP criteria applied, as specified by the ClinGen LGMD VCEP (LGMD VCEP specifications version 1.0.0; 07/29/2025): PVS1_RNA, PP4, PM2_Supporting, PS1_Supporting.

Eurofins Ntd Llc (ga)
Classification: Pathogenic. Last evaluated: 2015-10-16. Review status: criteria provided, single submitter. Criteria: EGL Classification Definitions 2015. Collection method: clinical testing. Allele origin: germline. Observed: 1 variant allele, 1 heterozygote. Not counted in ClinVar's aggregate classification.

Literature cited by the submitters: PubMed 23757202 (cited by Eurofins Ntd Llc (ga)).